The following is an entry in ClinVar:

ClinVar aggregate classification (germline): Likely benign. Review status: criteria provided, multiple submitters, no conflicts (2 of 4 stars). 4 submissions from 4 submitters: Likely benign (2). 2 of the submissions do not count toward it. Last evaluated 2025-12-03.

Conditions:
Hypertrophic cardiomyopathy. Also called: HYPERTROPHIC MYOCARDIOPATHY. Identifiers: Orphanet 217569, MedGen C0007194, MeSH D002312, MONDO:0005045, HP:0001639.

Allele frequency attached by ClinVar (database versions not stated): ExAC 0.00002; gnomAD exomes 0.00002; gnomAD 0.00003; TOPMed 0.00004; ESP Exome Variant Server 0.00008.
gnomAD v4.1: 35 of 1,599,290 alleles (0.0022%); highest among the groups gnomAD compares: Non-Finnish European, 0.0026%; no homozygotes.

Submissions (4):

Labcorp Genetics (formerly Invitae), Labcorp
Classification: Likely benign for Hypertrophic cardiomyopathy. Last evaluated: 2025-12-03. Review status: criteria provided, single submitter. Criteria: Invitae Variant Classification Sherloc (09022015). Collection method: clinical testing. Allele origin: germline.

GeneDx
Classification: Likely benign. Last evaluated: 2017-05-19. Review status: criteria provided, single submitter. Criteria: GeneDx Variant Classification (06012015). Collection method: clinical testing. Allele origin: germline. Affected: yes.
Comment: This variant is considered likely benign or benign based on one or more of the following criteria: it is a conservative change, it occurs at a poorly conserved position in the protein, it is predicted to be benign by multiple in silico algorithms, and/or has population frequency not consistent with disease.

Clinical Genetics, Academic Medical Center
Classification: Benign. Review status: no assertion criteria provided. Collection method: clinical testing. Allele origin: germline. Affected: yes. Study: VKGL Data-share Consensus. Not counted in ClinVar's aggregate classification.

Joint Genome Diagnostic Labs from Nijmegen and Maastricht, Radboudumc and MUMC+
Classification: Likely benign. Review status: no assertion criteria provided. Collection method: clinical testing. Allele origin: germline. Affected: yes. Study: VKGL Data-share Consensus. Not counted in ClinVar's aggregate classification.

NM_020433.5(JPH2):c.1170-11T>C

Gene: JPH2 (junctophilin 2; minus strand). Cytogenetic location: 20q13.12.
Variant type: single nucleotide variant.
Coding change: c.1170-11T>C on transcript NM_020433.5 (MANE Select); 11 bases into the intron before coding-DNA position 1170, T replaced by C.
Molecular consequence: intron variant.
Genome position (GRCh38, 1-based): chr20:44,118,634, A>G on the plus strand (T>C on the coding strand, the complement: JPH2 is on the minus strand). VCF-style: chr20-44118634-A-G. GRCh37 (hg19) VCF-style: chr20-42747274-A-G.
Identifiers: ClinVar variation 509733 (VCV000509733.9), dbSNP rs376052338, ClinGen allele CA9868709.
Genomic context (GRCh38, chr20:44,118,634, plus strand): 5'-CCAGGGCGGCCTGTTCCGCTGCCTCAGCTTTGGCCTTGGCGTGGCTTGTCCTATGGAGAC[A>G]ATGTGGCAGAAGACTCAGGATCCTTCCAGAGAACCAGCCTTCTGCCCCTTCTCCCCAACC-3'